The following is an entry in ClinVar:

NM_014003.4(DHX38):c.1951A>C (p.Met651Leu)

Gene: DHX38 (DEAH-box helicase 38; plus strand). Cytogenetic location: 16q22.2.
Variant type: single nucleotide variant.
Coding change: c.1951A>C on transcript NM_014003.4 (MANE Select); coding-DNA position 1951, A replaced by C.
Protein change: p.Met651Leu; replaces methionine 651 with leucine.
Molecular consequence: missense variant.
Genome position (GRCh38, 1-based): chr16:72,104,072, A>C. VCF-style: chr16-72104072-A-C. GRCh37 (hg19) VCF-style: chr16-72137971-A-C.
Other names: short protein forms M651L.
Identifiers: ClinVar variation 1491597 (VCV001491597.6), dbSNP rs1226857663, ClinGen allele CA396709484.

ClinVar aggregate classification (germline): Uncertain significance (1 of 4 stars; one submission).

Submission:

Labcorp Genetics (formerly Invitae), Labcorp
Classification: Uncertain significance. Last evaluated: 2021-11-29. Review status: criteria provided, single submitter. Criteria: Invitae Variant Classification Sherloc (09022015). Collection method: clinical testing. Allele origin: germline.
Comment: In summary, the available evidence is currently insufficient to determine the role of this variant in disease. Therefore, it has been classified as a Variant of Uncertain Significance. Algorithms developed to predict the effect of missense changes on protein structure and function are either unavailable or do not agree on the potential impact of this missense change (SIFT: "Deleterious"; PolyPhen-2: "Probably Damaging"; Align-GVGD: "Class C0"). This sequence change replaces methionine, which is neutral and non-polar, with leucine, which is neutral and non-polar, at codon 651 of the DHX38 protein (p.Met651Leu). This variant is not present in population databases (gnomAD no frequency). This variant has not been reported in the literature in individuals affected with DHX38-related conditions.